The following is an entry in ClinVar:

ClinVar aggregate classification (germline): Uncertain significance. Review status: criteria provided, multiple submitters, no conflicts (2 of 4 stars). 2 submissions from 2 submitters: Uncertain significance (2). Last evaluated 2026-02-13.

Conditions:
JAG1-related disorder. Also called: JAG1-related disorders; JAG1-related condition.
Alagille syndrome due to a JAG1 point mutation. Also called: Alagille Syndrome 1; JAG1-Related Alagille Syndrome; HEPATIC DUCTULAR HYPOPLASIA, SYNDROMATIC. Identifiers: Orphanet 261619, Orphanet 52, MedGen C1956125, MONDO:0016862, OMIM 118450.

Submissions (2):

PreventionGenetics, part of Exact Sciences
Classification: Uncertain significance for JAG1-related condition. Last evaluated: 2026-02-13. Review status: criteria provided, single submitter. Criteria: ACMG Guidelines, 2015. Collection method: clinical testing. Allele origin: germline.
Comment: The JAG1 c.226A>C variant is predicted to result in the amino acid substitution p.Lys76Gln. To our knowledge, this variant has not been reported in the literature in JAG1 related disease or in a large population database (gnomAD), indicating this variant is rare. Statistical evidence in gnomAD suggests the JAG1 gene is intolerant of missense variation. At this time, the clinical significance of this variant is uncertain due to the absence of conclusive functional and genetic evidence.

Labcorp Genetics (formerly Invitae), Labcorp
Classification: Uncertain significance for Alagille syndrome due to a JAG1 point mutation. Last evaluated: 2024-10-13. Review status: criteria provided, single submitter. Criteria: Invitae Variant Classification Sherloc (09022015). Collection method: clinical testing. Allele origin: germline.
Comment: This sequence change replaces lysine, which is basic and polar, with glutamine, which is neutral and polar, at codon 76 of the JAG1 protein (p.Lys76Gln). This variant is not present in population databases (gnomAD no frequency). This variant has not been reported in the literature in individuals affected with JAG1-related conditions. Invitae Evidence Modeling of protein sequence and biophysical properties (such as structural, functional, and spatial information, amino acid conservation, physicochemical variation, residue mobility, and thermodynamic stability) indicates that this missense variant is not expected to disrupt JAG1 protein function with a negative predictive value of 95%. In summary, the available evidence is currently insufficient to determine the role of this variant in disease. Therefore, it has been classified as a Variant of Uncertain Significance.

NM_000214.3(JAG1):c.226A>C (p.Lys76Gln)

Gene: JAG1 (jagged canonical Notch ligand 1; minus strand). Cytogenetic location: 20p12.2.
Variant type: single nucleotide variant.
Coding change: c.226A>C on transcript NM_000214.3 (MANE Select); coding-DNA position 226, A replaced by C.
Protein change: p.Lys76Gln; replaces lysine 76 with glutamine.
Molecular consequence: missense variant.
Genome position (GRCh38, 1-based): chr20:10,672,862, T>G on the plus strand (A>C on the coding strand, the complement: JAG1 is on the minus strand). VCF-style: chr20-10672862-T-G. GRCh37 (hg19) VCF-style: chr20-10653510-T-G.
Other names: c.226A>C (NM_000214.2); short protein forms K76Q.
Identifiers: ClinVar variation 3619079 (VCV003619079.3).